The following is an entry in ClinVar:

NM_002524.5(NRAS):c.83T>A (p.Phe28Tyr)

Gene: NRAS (NRAS proto-oncogene, GTPase; minus strand). Cytogenetic location: 1p13.2.
Variant type: single nucleotide variant.
Coding change: c.83T>A on transcript NM_002524.5 (MANE Select); coding-DNA position 83, T replaced by A.
Protein change: p.Phe28Tyr; replaces phenylalanine 28 with tyrosine.
Molecular consequence: missense variant.
Genome position (GRCh38, 1-based): chr1:114,716,078, A>T on the plus strand (T>A on the coding strand, the complement: NRAS is on the minus strand). VCF-style: chr1-114716078-A-T. GRCh37 (hg19) VCF-style: chr1-115258699-A-T.
Other names: short protein forms F28Y.
Identifiers: ClinVar variation 4767358 (VCV004767358.1).
Genomic context (GRCh38, chr1:114,716,078, plus strand): 5'-GATCAGGTCAGCGGGCTACCACTGGGCCTCACCTCTATGGTGGGATCATATTCATCTACA[A>T]AGTGGTTCTGGATTAGCTGGATTGTCAGTGCGCTTTTCCCAACACCACCTGCTCCAACCA-3'
Protein context (NP_002515.1, residues 18-38): ALTIQLIQNH[Phe28Tyr]VDEYDPTIED

ClinVar aggregate classification (germline): Uncertain significance (1 of 4 stars; one submission).

Conditions:
RASopathy. Also called: Noonan spectrum disorder; rasopathies. Identifiers: Orphanet 536391, MedGen C5555857, MONDO:0021060.

Submission:

Labcorp Genetics (formerly Invitae), Labcorp
Classification: Uncertain significance for RASopathy. Last evaluated: 2025-04-23. Review status: criteria provided, single submitter. Criteria: Invitae Variant Classification Sherloc (09022015). Collection method: clinical testing. Allele origin: germline.
Comment: This sequence change replaces phenylalanine, which is neutral and non-polar, with tyrosine, which is neutral and polar, at codon 28 of the NRAS protein (p.Phe28Tyr). This variant is not present in population databases (gnomAD no frequency). This variant has not been reported in the literature in individuals affected with NRAS-related conditions. Invitae Evidence Modeling of protein sequence and biophysical properties (such as structural, functional, and spatial information, amino acid conservation, physicochemical variation, residue mobility, and thermodynamic stability) indicates that this missense variant is expected to disrupt NRAS protein function with a positive predictive value of 95%. In summary, the available evidence is currently insufficient to determine the role of this variant in disease. Therefore, it has been classified as a Variant of Uncertain Significance.